The following is an entry in ClinVar:

NM_178510.2(ANKK1):c.822G>A (p.Lys274=)

Gene: ANKK1 (ankyrin repeat and kinase domain containing 1; plus strand). Cytogenetic location: 11q23.2.
Variant type: single nucleotide variant.
Coding change: c.822G>A on transcript NM_178510.2 (MANE Select); coding-DNA position 822, G replaced by A.
Protein change: p.Lys274=; no amino-acid change (lysine 274 retained).
Molecular consequence: synonymous variant.
Genome position (GRCh38, 1-based): chr11:113,396,206, G>A. VCF-style: chr11-113396206-G-A. GRCh37 (hg19) VCF-style: chr11-113266928-G-A.
Identifiers: ClinVar variation 3350244 (VCV003350244.1).

ClinVar aggregate classification (germline): Likely benign (0 of 4 stars; one submission).

Conditions:
ANKK1-related disorder. Also called: ANKK1-related condition.

gnomAD v4.1: 36 of 1,613,994 alleles (0.0022%); highest among the groups gnomAD compares: African/African-American, 0.035%; no homozygotes.

Submission:

PreventionGenetics, part of Exact Sciences
Classification: Likely benign for ANKK1-related condition. Last evaluated: 2019-05-20. Review status: no assertion criteria provided. Collection method: clinical testing. Allele origin: germline.
Comment: This variant is classified as likely benign based on ACMG/AMP sequence variant interpretation guidelines (Richards et al. 2015 PMID: 25741868, with internal and published modifications).